The following is an entry in ClinVar:

NM_002677.5(PMP2):c.267A>C (p.Arg89Ser)

Gene: PMP2 (peripheral myelin protein 2; minus strand). Cytogenetic location: 8q21.13.
Variant type: single nucleotide variant.
Coding change: c.267A>C on transcript NM_002677.5 (MANE Select); coding-DNA position 267, A replaced by C.
Protein change: p.Arg89Ser; replaces arginine 89 with serine.
Molecular consequence: missense variant. On other transcripts: synonymous variant (1).
Genome position (GRCh38, 1-based): chr8:81,444,581, T>G on the plus strand (A>C on the coding strand, the complement: PMP2 is on the minus strand). VCF-style: chr8-81444581-T-G. GRCh37 (hg19) VCF-style: chr8-82356816-T-G.
Other names: c.94A>C, p.Arg32= (NM_001348381.2); short protein forms R89S.
Identifiers: ClinVar variation 3614000 (VCV003614000.2).
Genomic context (GRCh38, chr8:81,444,581, plus strand): 5'-TAGCTTTCTCTTTATGGTTGTCTCTTTGCCATCCCATCTCTGCACTTGATTCAGTGATCC[T>G]CTCTGCAGGGTTACGATGCTCTGCAAAGACAAGGTCATGCAATTGACTTGCCTGAAATTT-3'
Protein context (NP_002668.1, residues 79-99): RKTKSIVTLQ[Arg89Ser]GSLNQVQRWD

ClinVar aggregate classification (germline): Uncertain significance (1 of 4 stars; one submission).

gnomAD v4.1: 6 of 1,613,776 alleles (0.00037%); highest among the groups gnomAD compares: Non-Finnish European, 0.00051%; no homozygotes.

Submission:

Labcorp Genetics (formerly Invitae), Labcorp
Classification: Uncertain significance. Last evaluated: 2024-08-28. Review status: criteria provided, single submitter. Criteria: Invitae Variant Classification Sherloc (09022015). Collection method: clinical testing. Allele origin: germline.
Comment: This sequence change replaces arginine, which is basic and polar, with serine, which is neutral and polar, at codon 89 of the PMP2 protein (p.Arg89Ser). This variant is present in population databases (rs375942205, gnomAD 0.004%). This variant has not been reported in the literature in individuals affected with PMP2-related conditions. An algorithm developed to predict the effect of missense changes on protein structure and function (PolyPhen-2) suggests that this variant is likely to be tolerated. In summary, the available evidence is currently insufficient to determine the role of this variant in disease. Therefore, it has been classified as a Variant of Uncertain Significance.